The following is an entry in ClinVar:

ClinVar aggregate classification (germline): Likely pathogenic. Review status: reviewed by expert panel (3 of 4 stars). 6 submissions from 6 submitters: Likely pathogenic (1). 5 of the submissions do not count toward it. Last evaluated 2019-05-10.

Conditions:
Noonan syndrome and Noonan-related syndrome. Identifiers: Orphanet 98733, MedGen C5681679, MONDO:0020297.
Noonan syndrome (NS). Also called: Noonan's syndrome. Identifiers: Orphanet 648, MedGen C0028326, MeSH D009634, MONDO:0018997. Disease mechanism: gain of function.
Cardio-facio-cutaneous syndrome. Also called: Cardiofaciocutaneous syndrome; CFC syndrome. Identifiers: Orphanet 1340, MedGen C1275081, MONDO:0015280. Disease mechanism: gain of function.
RASopathy. Also called: rasopathies; Noonan spectrum disorder. Identifiers: Orphanet 536391, MedGen C5555857, MONDO:0021060.

Submissions (6):

ClinGen RASopathy Variant Curation Expert Panel
Classification: Likely pathogenic for Noonan syndrome and Noonan-related syndrome. Last evaluated: 2019-05-10. Review status: reviewed by expert panel. Criteria: ClinGen RASopathy ACMG Specifications v1. Collection method: curation. Allele origin: germline. Inheritance: Autosomal dominant inheritance.
Comment: The c.739T>G (p.Phe247Val) variant in BRAF has been identified in at least 2 independent occurrences in patients with clinical features of a RASopathy (PS4_Supporting; Partners LMM, GeneDx internal data; GTR Lab IDs 21766, 26957; ClinVar SCV000061624.5, SCV000330320.6). This variant was absent from large population studies (PM2; gnomAD). The variant is located in the BRAF gene, which has been defined by the ClinGen RASopathy Expert Panel as a gene with a low rate of benign missense variants and pathogenic missense variants are common (PP2; PMID: 29493581). Furthermore, the variant is in a location that has been defined by the ClinGen RASopathy Expert Panel to be a mutational hotspot or domain of BRAF (PM1; PMID 29493581). A different pathogenic missense variant (p.Phe247Leu) has been previously identified at this codon of BRAF which may indicate that this residue is critical to the function of the protein (PM5 not usable due to PM1 application; ClinVar 180784, 55793). Computational prediction tools and conservation analysis suggest that the p.Phe247Val variant may impact the protein (PP3). In summary, this variant meets criteria to be classified as likely pathogenic for RASopathies in an autosomal dominant manner. RASopathy-specific ACMG/AMP criteria applied (PMID:29493581): PS4_Supporting, PM2, PM1, PP2, PP3.

Labcorp Genetics (formerly Invitae), Labcorp
Classification: Likely pathogenic for RASopathy. Last evaluated: 2025-04-02. Review status: criteria provided, single submitter. Criteria: Invitae Variant Classification Sherloc (09022015). Collection method: clinical testing. Allele origin: germline. Not counted in ClinVar's aggregate classification.
Comment: This sequence change replaces phenylalanine, which is neutral and non-polar, with valine, which is neutral and non-polar, at codon 247 of the BRAF protein (p.Phe247Val). This variant is not present in population databases (gnomAD no frequency). This missense change has been observed in individual(s) with clinical features of BRAF-related conditions (PMID: 31785789, 32005694; internal data). ClinVar contains an entry for this variant (Variation ID: 44830). Invitae Evidence Modeling of protein sequence and biophysical properties (such as structural, functional, and spatial information, amino acid conservation, physicochemical variation, residue mobility, and thermodynamic stability) indicates that this missense variant is not expected to disrupt BRAF protein function with a negative predictive value of 80%. This variant disrupts the p.Phe247 amino acid residue in BRAF. Other variant(s) that disrupt this residue have been determined to be pathogenic (PMID: 28512244, 33040082, 33128510; internal data). This suggests that this residue is clinically significant, and that variants that disrupt this residue are likely to be disease-causing. In summary, the currently available evidence indicates that the variant is pathogenic, but additional data are needed to prove that conclusively. Therefore, this variant has been classified as Likely Pathogenic.

CeGaT Center for Human Genetics Tuebingen
Classification: Pathogenic. Last evaluated: 2022-02-01. Review status: criteria provided, single submitter. Criteria: CeGaT Center For Human Genetics Tuebingen Variant Classification Criteria Version 2. Collection method: clinical testing. Allele origin: germline. Affected: yes. Observed: 1 variant allele. Not counted in ClinVar's aggregate classification.

GeneDx
Classification: Pathogenic. Last evaluated: 2021-08-01. Review status: criteria provided, single submitter. Criteria: GeneDx Variant Classification Process June 2021. Collection method: clinical testing. Allele origin: germline. Affected: yes. Not counted in ClinVar's aggregate classification.
Comment: Not observed at significant frequency in large population cohorts (Lek et al., 2016); Missense variants in this gene are often considered pathogenic (Stenson et al., 2014); In silico analysis supports that this missense variant has a deleterious effect on protein structure/function; This variant is associated with the following publications: (PMID: Chen2021[review], 24957944, 15488754, 16439621, 15520807, 17603483, 29493581)

Service de Génétique Moléculaire, Hôpital Robert Debré
Classification: Likely pathogenic for Cardio-facio-cutaneous syndrome; Noonan syndrome. Review status: no assertion criteria provided. Collection method: clinical testing. Allele origin: de novo, unknown. Affected: yes. Observed: 2 variant alleles. Not counted in ClinVar's aggregate classification.

Laboratory for Molecular Medicine, Mass General Brigham Personalized Medicine
Classification: Uncertain significance. Last evaluated: 2013-01-10. Review status: flagged submission. Criteria: LMM Criteria. Collection method: clinical testing. Allele origin: germline. Observed: 1 variant allele. Not counted in ClinVar's aggregate classification.
Comment: The Phe247Val variant in BRAF has not been reported in the literature nor previo usly identified by our laboratory. Computational analyses (biochemical amino aci d properties, conservation, AlignGVGD, PolyPhen2, and SIFT) do not provide stron g support for or against an impact to the protein. In summary, additional inform ation is needed to fully asses the clinical significance of the Phe247Val varian t.
ClinVar note: Reason: Conflicts with expert reviewed submission without evidence to support different classification

Literature cited by the submitters: PubMed 31785789 (cited by Labcorp Genetics (formerly Invitae), Labcorp); PubMed 32005694 (cited by Labcorp Genetics (formerly Invitae), Labcorp); PubMed 28512244 (cited by Labcorp Genetics (formerly Invitae), Labcorp); PubMed 33040082 (cited by Labcorp Genetics (formerly Invitae), Labcorp); PubMed 33128510 (cited by Labcorp Genetics (formerly Invitae), Labcorp).

NM_004333.6(BRAF):c.739T>G (p.Phe247Val)

Gene: BRAF (B-Raf proto-oncogene, serine/threonine kinase; minus strand). Cytogenetic location: 7q34.
Variant type: single nucleotide variant.
Coding change: c.739T>G on transcript NM_004333.6 (MANE Select); coding-DNA position 739, T replaced by G.
Protein change: p.Phe247Val; replaces phenylalanine 247 with valine.
Molecular consequence: missense variant.
Genome position (GRCh38, 1-based): chr7:140,801,533, A>C on the plus strand (T>G on the coding strand, the complement: BRAF is on the minus strand). VCF-style: chr7-140801533-A-C. GRCh37 (hg19) VCF-style: chr7-140501333-A-C.
Other names: NM_004333.4(BRAF):c.739T>G; c.739T>G, p.Phe247Val (NM_001354609.2, NM_001374244.1, NM_001374258.1 and 4 more transcripts); c.748T>G, p.Phe250Val (NM_001378467.1); c.637T>G, p.Phe213Val (NM_001378470.1); c.583T>G, p.Phe195Val (NM_001378472.1, NM_001378473.1); c.475T>G, p.Phe159Val (NM_001378475.1); short protein forms F247V, F159V, F195V, F250V, F213V.
Identifiers: ClinVar variation 44830 (VCV000044830.46), dbSNP rs397516903, ClinGen allele CA135140.